The following is an entry in ClinVar:

ClinVar aggregate classification (germline): Uncertain significance (1 of 4 stars; one submission).

gnomAD v4.1: 5 of 1,602,162 alleles (0.00031%); highest among the groups gnomAD compares: Non-Finnish European, 0.00043%; no homozygotes.

Submission:

Labcorp Genetics (formerly Invitae), Labcorp
Classification: Uncertain significance. Last evaluated: 2025-11-27. Review status: criteria provided, single submitter. Criteria: Invitae Variant Classification Sherloc (09022015). Collection method: clinical testing. Allele origin: germline.
Comment: This sequence change replaces threonine, which is neutral and polar, with proline, which is neutral and non-polar, at codon 855 of the COL11A1 protein (p.Thr855Pro). This variant is not present in population databases (gnomAD no frequency). This variant has not been reported in the literature in individuals affected with COL11A1-related conditions. Invitae Evidence Modeling of protein sequence and biophysical properties (such as structural, functional, and spatial information, amino acid conservation, physicochemical variation, residue mobility, and thermodynamic stability) indicates that this missense variant is not expected to disrupt COL11A1 protein function with a negative predictive value of 80%. In summary, the available evidence is currently insufficient to determine the role of this variant in disease. Therefore, it has been classified as a Variant of Uncertain Significance.

NM_001854.4(COL11A1):c.2563A>C (p.Thr855Pro)

Gene: COL11A1 (collagen type XI alpha 1 chain; minus strand). Cytogenetic location: 1p21.1.
Variant type: single nucleotide variant.
Coding change: c.2563A>C on transcript NM_001854.4 (MANE Select); coding-DNA position 2563, A replaced by C.
Protein change: p.Thr855Pro; replaces threonine 855 with proline.
Molecular consequence: missense variant. On other transcripts: non-coding transcript variant (1).
Genome position (GRCh38, 1-based): chr1:102,979,429, T>G on the plus strand (A>C on the coding strand, the complement: COL11A1 is on the minus strand). VCF-style: chr1-102979429-T-G. GRCh37 (hg19) VCF-style: chr1-103444985-T-G.
Other names: c.2446A>C, p.Thr816Pro (NM_001190709.2); c.2599A>C, p.Thr867Pro (NM_080629.3); c.2215A>C, p.Thr739Pro (NM_080630.4); short protein forms T739P, T816P, T867P, T855P.
Identifiers: ClinVar variation 4707404 (VCV004707404.1).